The following is an entry in ClinVar:

NM_005359.6(SMAD4):c.6C>T (p.Asp2=)

Gene: SMAD4 (SMAD family member 4; plus strand). Cytogenetic location: 18q21.2.
Variant type: single nucleotide variant.
Coding change: c.6C>T on transcript NM_005359.6 (MANE Select); coding-DNA position 6, C replaced by T.
Protein change: p.Asp2=; no amino-acid change (aspartic acid 2 retained).
Molecular consequence: synonymous variant.
Genome position (GRCh38, 1-based): chr18:51,047,052, C>T. VCF-style: chr18-51047052-C-T. GRCh37 (hg19) VCF-style: chr18-48573422-C-T.
Identifiers: ClinVar variation 1121733 (VCV001121733.10), dbSNP rs2144400152, ClinGen allele CA503873363.

ClinVar aggregate classification (germline): Benign/Likely benign. Review status: criteria provided, multiple submitters, no conflicts (2 of 4 stars). 2 submissions from 2 submitters: Benign (1); Likely benign (1). Last evaluated 2025-03-18.

Conditions:
Juvenile polyposis syndrome (JPS). Identifiers: Orphanet 2929, MedGen C0345893, MONDO:0017380, OMIM 174900.
Juvenile polyposis/hereditary hemorrhagic telangiectasia syndrome (JPHT). Also called: JP/HHT SYNDROME; JUVENILE POLYPOSIS WITH HEREDITARY HEMORRHAGIC TELANGIECTASIA; POLYPOSIS, GENERALIZED JUVENILE, WITH PULMONARY ARTERIOVENOUS MALFORMATION; TELANGIECTASIA, HEREDITARY HEMORRHAGIC, WITH JUVENILE POLYPOSIS COLI; Juvenile Polyposis Syndrome / Hereditary Hemorrhagic Telangiectasia (JPS/HHT). Identifiers: Orphanet 2929, MedGen C1832942, MONDO:0008278, OMIM 175050.

Submissions (2):

Myriad Genetics, Inc.
Classification: Benign for Juvenile polyposis/hereditary hemorrhagic telangiectasia syndrome. Last evaluated: 2025-03-18. Review status: criteria provided, single submitter. Criteria: Myriad Autosomal Dominant, Autosomal Recessive and X-Linked Classification Criteria (2023). Collection method: clinical testing. Allele origin: unknown.
Comment: This variant is considered benign. This variant is a silent/synonymous amino acid change and it is not expected to impact splicing.

Labcorp Genetics (formerly Invitae), Labcorp
Classification: Likely benign for Juvenile polyposis syndrome. Last evaluated: 2020-10-29. Review status: criteria provided, single submitter. Criteria: Invitae Variant Classification Sherloc (09022015). Collection method: clinical testing. Allele origin: germline.